The following is an entry in ClinVar:

ClinVar aggregate classification (germline): Uncertain significance (1 of 4 stars; one submission).

Submission:

CeGaT Center for Human Genetics Tuebingen
Classification: Uncertain significance. Last evaluated: 2023-06-01. Review status: criteria provided, single submitter. Criteria: CeGaT Center For Human Genetics Tuebingen Variant Classification Criteria Version 2. Collection method: clinical testing. Allele origin: germline. Affected: yes. Observed: 1 variant allele.
Comment: COL5A2: PM2, PP3

NM_000393.5(COL5A2):c.3524G>A (p.Arg1175Lys)

Gene: COL5A2 (collagen type V alpha 2 chain; minus strand). Cytogenetic location: 2q32.2.
Variant type: single nucleotide variant.
Coding change: c.3524G>A on transcript NM_000393.5 (MANE Select); coding-DNA position 3524, G replaced by A.
Protein change: p.Arg1175Lys; replaces arginine 1175 with lysine.
Molecular consequence: missense variant.
Genome position (GRCh38, 1-based): chr2:189,042,721, C>T on the plus strand (G>A on the coding strand, the complement: COL5A2 is on the minus strand). VCF-style: chr2-189042721-C-T. GRCh37 (hg19) VCF-style: chr2-189907447-C-T.
Other names: short protein forms R1175K.
Identifiers: ClinVar variation 2571113 (VCV002571113.27), dbSNP rs2469230625, ClinGen allele CA349860372.